The following is an entry in ClinVar:

ClinVar aggregate classification (germline): Uncertain significance (1 of 4 stars; one submission).

Submission:

Labcorp Genetics (formerly Invitae), Labcorp
Classification: Uncertain significance. Last evaluated: 2025-11-14. Review status: criteria provided, single submitter. Criteria: Invitae Variant Classification Sherloc (09022015). Collection method: clinical testing. Allele origin: germline.
Comment: This sequence change replaces asparagine, which is neutral and polar, with threonine, which is neutral and polar, at codon 238 of the HOXB13 protein (p.Asn238Thr). This variant is not present in population databases (gnomAD no frequency). This variant has not been reported in the literature in individuals affected with HOXB13-related conditions. Invitae Evidence Modeling of protein sequence and biophysical properties (such as structural, functional, and spatial information, amino acid conservation, physicochemical variation, residue mobility, and thermodynamic stability) indicates that this missense variant is not expected to disrupt HOXB13 protein function with a negative predictive value of 80%. In summary, the available evidence is currently insufficient to determine the role of this variant in disease. Therefore, it has been classified as a Variant of Uncertain Significance.

NM_006361.6(HOXB13):c.713A>C (p.Asn238Thr)

Gene: HOXB13 (homeobox B13; minus strand). Cytogenetic location: 17q21.32.
Variant type: single nucleotide variant.
Coding change: c.713A>C on transcript NM_006361.6 (MANE Select); coding-DNA position 713, A replaced by C.
Protein change: p.Asn238Thr; replaces asparagine 238 with threonine.
Molecular consequence: missense variant.
Genome position (GRCh38, 1-based): chr17:48,726,932, T>G on the plus strand (A>C on the coding strand, the complement: HOXB13 is on the minus strand). VCF-style: chr17-48726932-T-G. GRCh37 (hg19) VCF-style: chr17-46804294-T-G.
Other names: short protein forms N238T.
Identifiers: ClinVar variation 4742372 (VCV004742372.1).
Genomic context (GRCh38, chr17:48,726,932, plus strand): 5'-CGCTCCGAGAGGCTGGTGGCTGCCGAGATCTTGCGCCTCTTGTCCTTGGTGATGAACTTG[T>G]TAGCCGCATACTCCCGCTCCAGCTCCCGCAACTGCCCCTTGCTGTACGGAATGCGTTTCT-3'
Protein context (NP_006352.2, residues 228-248): LRELEREYAA[Asn238Thr]KFITKDKRRK